The following is an entry in ClinVar:

NM_014140.4(SMARCAL1):c.340C>G (p.Arg114Gly)

Gene: SMARCAL1 (SNF2 related chromatin remodeling annealing helicase 1; plus strand). Cytogenetic location: 2q35.
Variant type: single nucleotide variant.
Coding change: c.340C>G on transcript NM_014140.4 (MANE Select); coding-DNA position 340, C replaced by G.
Protein change: p.Arg114Gly; replaces arginine 114 with glycine.
Molecular consequence: missense variant.
Genome position (GRCh38, 1-based): chr2:216,415,044, C>G. VCF-style: chr2-216415044-C-G. GRCh37 (hg19) VCF-style: chr2-217279767-C-G.
Other names: c.340C>G, p.Arg114Gly (NM_001127207.2); short protein forms R114G.
Identifiers: ClinVar variation 196458 (VCV000196458.17), dbSNP rs202031614, ClinGen allele CA243409.
Genomic context (GRCh38, chr2:216,415,044, plus strand): 5'-GCAAAGGGAATATGGAAAAAGCCAGAAGAAATGCCCACAGCCTGCCCAGGCCACAGTCCA[C>G]GTAGTCAAATGGCTCTCACTGGAATCTCTCCTCCCTTGGCACAAAGTCCTCCAGAGGTCC-3'
Protein context (NP_054859.2, residues 104-124): MPTACPGHSP[Arg114Gly]SQMALTGISP

ClinVar aggregate classification (germline): Conflicting classifications of pathogenicity. Review status: criteria provided, conflicting classifications (1 of 4 stars). 4 submissions from 4 submitters: Uncertain significance (1); Benign (1). 2 of the submissions do not count toward it. Last evaluated 2025-12-20.

Conditions:
SMARCAL1-related disorder. Also called: SMARCAL1-related condition.
Schimke immuno-osseous dysplasia (SIOD). Also called: Schimke Immunoosseous Dysplasia. Identifiers: Orphanet 1830, MedGen C0877024, MONDO:0009458, OMIM 242900.

Allele frequency attached by ClinVar (database versions not stated): TOPMed 0.00006; ESP Exome Variant Server 0.00008; 1000 Genomes Project 0.00060; 1000 Genomes Project 30x 0.00062.
gnomAD v4.1: 322 of 1,614,188 alleles (0.02%); highest among the groups gnomAD compares: South Asian, 0.27%; 4 homozygotes.

Submissions (4):

Labcorp Genetics (formerly Invitae), Labcorp
Classification: Benign for Schimke immuno-osseous dysplasia. Last evaluated: 2025-12-20. Review status: criteria provided, single submitter. Criteria: Invitae Variant Classification Sherloc (09022015). Collection method: clinical testing. Allele origin: germline.

Eurofins Ntd Llc (ga)
Classification: Uncertain significance. Last evaluated: 2014-12-12. Review status: criteria provided, single submitter. Criteria: EGL Classification Definitions 2015. Collection method: clinical testing. Allele origin: germline. Observed: 1 variant allele, 1 heterozygote.

PreventionGenetics, part of Exact Sciences
Classification: Likely benign for SMARCAL1-related condition. Last evaluated: 2024-07-12. Review status: no assertion criteria provided. Collection method: clinical testing. Allele origin: germline. Not counted in ClinVar's aggregate classification.
Comment: This variant is classified as likely benign based on ACMG/AMP sequence variant interpretation guidelines (Richards et al. 2015 PMID: 25741868, with internal and published modifications).

Natera, Inc.
Classification: Benign for Schimke immuno-osseous dysplasia. Last evaluated: 2019-11-11. Review status: no assertion criteria provided. Collection method: clinical testing. Allele origin: germline. Not counted in ClinVar's aggregate classification.